The following is an entry in ClinVar:

ClinVar aggregate classification (germline): Uncertain significance (1 of 4 stars; one submission).

Submission:

Mayo Clinic Laboratories, Mayo Clinic
Classification: Uncertain significance. Last evaluated: 2025-02-10. Review status: criteria provided, single submitter. Criteria: ACMG Guidelines, 2015. Collection method: clinical testing. Allele origin: germline. Observed: 2 variant alleles.
Comment: PM2_supporting

NM_003126.4(SPTA1):c.-121dup

Gene: SPTA1 (spectrin alpha, erythrocytic 1; minus strand). Cytogenetic location: 1q23.1.
Variant type: Duplication.
Coding change: c.-121dup on transcript NM_003126.4 (MANE Select); 121 bases upstream of the start codon, one base duplicated (C; older notation c.-121dupC).
Molecular consequence: 5 prime UTR variant.
Genome position (GRCh38, 1-based): chr1:158,686,638, G duplicated on the plus strand (C on the coding strand, the reverse complement: SPTA1 is on the minus strand); the first of 5 consecutive G bases (chr1:158,686,638-158,686,642); duplicating any one gives the same sequence. VCF-style (leftmost placement, unchanged base first): chr1-158686637-T-TG. GRCh37 (hg19) VCF-style: chr1-158656427-T-TG.
Other names: p.?.
Identifiers: ClinVar variation 293065 (VCV000293065.6), dbSNP rs368830436, ClinGen allele CA10608370.